The following is an entry in ClinVar:

ClinVar aggregate classification (germline): Likely benign. Review status: criteria provided, multiple submitters, no conflicts (2 of 4 stars). 2 submissions from 2 submitters: Likely benign (2). Last evaluated 2025-11-01.

Allele frequency attached by ClinVar (database versions not stated): gnomAD exomes 0.00166 and 0.00191; gnomAD 0.00190 and 0.00192; 1000 Genomes Project 30x 0.00234; TOPMed 0.00234; 1000 Genomes Project 0.00240.
gnomAD v4.1: 2,974 of 1,535,564 alleles (0.19%); highest among the groups gnomAD compares: Admixed American, 0.58%; 11 homozygotes.

Submissions (2):

CeGaT Center for Human Genetics Tuebingen
Classification: Likely benign. Last evaluated: 2025-11-01. Review status: criteria provided, single submitter. Criteria: CeGaT Center For Human Genetics Tuebingen Variant Classification Criteria Version 2. Collection method: clinical testing. Allele origin: germline. Affected: yes. Observed: 3 variant alleles.
Comment: PPP2R2B: BP4, BP7

Blueprint Genetics
Classification: Likely benign. Last evaluated: 2024-11-25. Review status: criteria provided, single submitter. Criteria: ACMG Guidelines, 2015. Collection method: clinical testing. Allele origin: germline.

NM_181677.2(PPP2R2B):c.-130A>T

Gene: PPP2R2B (protein phosphatase 2 regulatory subunit Bbeta; minus strand). Cytogenetic location: 5q32.
Variant type: single nucleotide variant.
Coding change: c.-130A>T on transcript NM_181677.2; 130 bases upstream of the start codon, A replaced by T.
Molecular consequence: 5 prime UTR variant. On other transcripts: synonymous variant (1).
Genome position (GRCh38, 1-based): chr5:147,081,126, T>A on the plus strand (A>T on the coding strand, the complement: PPP2R2B is on the minus strand). VCF-style: chr5-147081126-T-A. GRCh37 (hg19) VCF-style: chr5-146460689-T-A.
Other names: c.21A>T, p.Thr7= (NM_001271899.1); c.-18A>T (NM_001271900.2); c.-116A>T (NM_181678.2).
Identifiers: ClinVar variation 1701488 (VCV001701488.29), dbSNP rs149203642, ClinGen allele CA129635468.
Genomic context (GRCh38, chr5:147,081,126, plus strand): 5'-GGTTCCAATCTCGATAGTGCCTTTCACTTGGCTGAAGCACCATAGTGTGTCCTGGGTGAG[T>A]GTCCCAATTCCTGAAAACAACACAAGGAGACACTTCAGGTTAGGTAAGAGCTCCCAGTTG-3'